The following is an entry in ClinVar:

ClinVar aggregate classification (germline): Uncertain significance (1 of 4 stars; one submission).

Conditions:
Intellectual developmental disorder, X-linked, syndromic, Hedera type. Also called: Syndromic X-linked intellectual disability Hedera type. Identifiers: Orphanet 93952, MedGen C1845543, MONDO:0010319, OMIM 300423.

Allele frequency attached by ClinVar (database versions not stated): ExAC 0.00006.
gnomAD v4.1: 13 of 1,205,704 alleles (0.0011%); highest among the groups gnomAD compares: Middle Eastern, 0.024%; no homozygotes.

Submission:

Labcorp Genetics (formerly Invitae), Labcorp
Classification: Uncertain significance for Intellectual developmental disorder, X-linked, syndromic, Hedera type. Last evaluated: 2024-03-16. Review status: criteria provided, single submitter. Criteria: Invitae Variant Classification Sherloc (09022015). Collection method: clinical testing. Allele origin: germline.
Comment: This sequence change replaces threonine, which is neutral and polar, with serine, which is neutral and polar, at codon 271 of the ATP6AP2 protein (p.Thr271Ser). This variant is present in population databases (rs756957661, gnomAD 0.006%). This variant has not been reported in the literature in individuals affected with ATP6AP2-related conditions. ClinVar contains an entry for this variant (Variation ID: 2073360). Advanced modeling of protein sequence and biophysical properties (such as structural, functional, and spatial information, amino acid conservation, physicochemical variation, residue mobility, and thermodynamic stability) performed at Invitae indicates that this missense variant is not expected to disrupt ATP6AP2 protein function with a negative predictive value of 80%. In summary, the available evidence is currently insufficient to determine the role of this variant in disease. Therefore, it has been classified as a Variant of Uncertain Significance.

NM_005765.3(ATP6AP2):c.811A>T (p.Thr271Ser)

Gene: ATP6AP2 (ATPase H+ transporting accessory protein 2; plus strand). Cytogenetic location: Xp11.4.
Variant type: single nucleotide variant.
Coding change: c.811A>T on transcript NM_005765.3 (MANE Select); coding-DNA position 811, A replaced by T.
Protein change: p.Thr271Ser; replaces threonine 271 with serine.
Molecular consequence: missense variant.
Genome position (GRCh38, 1-based): chrX:40,600,834, A>T. VCF-style: chrX-40600834-A-T. GRCh37 (hg19) VCF-style: chrX-40460086-A-T.
Other names: short protein forms T271S.
Identifiers: ClinVar variation 2073360 (VCV002073360.4), dbSNP rs756957661, ClinGen allele CA10387275.